The following is an entry in ClinVar:

ClinVar aggregate classification (germline): Conflicting classifications of pathogenicity. Review status: criteria provided, conflicting classifications (1 of 4 stars). 2 submissions from 2 submitters: Uncertain significance (1); Likely benign (1). Last evaluated 2025-02-23.

Conditions:
Hypertrophic cardiomyopathy. Also called: HYPERTROPHIC MYOCARDIOPATHY. Identifiers: Orphanet 217569, MedGen C0007194, MeSH D002312, MONDO:0005045, HP:0001639.
Cardiovascular phenotype. Identifiers: MedGen CN230736.

Allele frequency attached by ClinVar (database versions not stated): gnomAD exomes below 0.00001.
gnomAD v4.1: 1 of 1,613,980 alleles (0.000062%); no homozygotes.

Submissions (2):

Labcorp Genetics (formerly Invitae), Labcorp
Classification: Uncertain significance for Hypertrophic cardiomyopathy. Last evaluated: 2025-02-23. Review status: criteria provided, single submitter. Criteria: Invitae Variant Classification Sherloc (09022015). Collection method: clinical testing. Allele origin: germline.
Comment: This sequence change replaces glycine, which is neutral and non-polar, with glutamic acid, which is acidic and polar, at codon 4 of the TNNI3 protein (p.Gly4Glu). This variant is present in population databases (no rsID available, gnomAD 0.006%). This variant has not been reported in the literature in individuals affected with TNNI3-related conditions. ClinVar contains an entry for this variant (Variation ID: 1011163). An algorithm developed to predict the effect of missense changes on protein structure and function outputs the following: PolyPhen-2: "Not Available". The glutamic acid amino acid residue is found in multiple mammalian species, which suggests that this missense change does not adversely affect protein function. Algorithms developed to predict the effect of sequence changes on RNA splicing suggest that this variant may create or strengthen a splice site. In summary, the available evidence is currently insufficient to determine the role of this variant in disease. Therefore, it has been classified as a Variant of Uncertain Significance.

Ambry Genetics
Classification: Likely benign for Cardiovascular phenotype. Last evaluated: 2021-06-04. Review status: criteria provided, single submitter. Criteria: Ambry Variant Classification Scheme 2023. Collection method: clinical testing. Allele origin: germline.

NM_000363.5(TNNI3):c.11G>A (p.Gly4Glu)

Gene: TNNI3 (troponin I3, cardiac type; minus strand). Cytogenetic location: 19q13.42.
Variant type: single nucleotide variant.
Coding change: c.11G>A on transcript NM_000363.5 (MANE Select); coding-DNA position 11, G replaced by A.
Protein change: p.Gly4Glu; replaces glycine 4 with glutamic acid.
Molecular consequence: missense variant.
Genome position (GRCh38, 1-based): chr19:55,157,579, C>T on the plus strand (G>A on the coding strand, the complement: TNNI3 is on the minus strand). VCF-style: chr19-55157579-C-T. GRCh37 (hg19) VCF-style: chr19-55668947-C-T.
Other names: short protein forms G4E.
Identifiers: ClinVar variation 1011163 (VCV001011163.10), dbSNP rs1351385449, ClinGen allele CA407443505.